The following is an entry in ClinVar:

ClinVar aggregate classification (germline): Uncertain significance (1 of 4 stars; one submission).

Submission:

Labcorp Genetics (formerly Invitae), Labcorp
Classification: Uncertain significance. Last evaluated: 2022-07-11. Review status: criteria provided, single submitter. Criteria: Invitae Variant Classification Sherloc (09022015). Collection method: clinical testing. Allele origin: germline.
Comment: This sequence change replaces threonine, which is neutral and polar, with isoleucine, which is neutral and non-polar, at codon 1572 of the FAT4 protein (p.Thr1572Ile). This variant is not present in population databases (gnomAD no frequency). In summary, the available evidence is currently insufficient to determine the role of this variant in disease. Therefore, it has been classified as a Variant of Uncertain Significance. Advanced modeling of protein sequence and biophysical properties (such as structural, functional, and spatial information, amino acid conservation, physicochemical variation, residue mobility, and thermodynamic stability) performed at Invitae indicates that this missense variant is not expected to disrupt FAT4 protein function. This variant has not been reported in the literature in individuals affected with FAT4-related conditions.

NM_001291303.3(FAT4):c.4715C>T (p.Thr1572Ile)

Gene: FAT4 (FAT atypical cadherin 4; plus strand). Cytogenetic location: 4q28.1.
Variant type: single nucleotide variant.
Coding change: c.4715C>T on transcript NM_001291303.3 (MANE Select); coding-DNA position 4715, C replaced by T.
Protein change: p.Thr1572Ile; replaces threonine 1572 with isoleucine.
Molecular consequence: missense variant.
Genome position (GRCh38, 1-based): chr4:125,321,126, C>T. VCF-style: chr4-125321126-C-T. GRCh37 (hg19) VCF-style: chr4-126242281-C-T.
Other names: c.4715C>T, p.Thr1572Ile (NM_001291285.3, NM_024582.6); short protein forms T1572I.
Identifiers: ClinVar variation 1976315 (VCV001976315.5), dbSNP rs2530454255, ClinGen allele CA358127728.